The following is an entry in ClinVar:

NM_144670.6(A2ML1):c.2608A>G (p.Ile870Val)

Gene: A2ML1 (alpha-2-macroglobulin like 1; plus strand). Cytogenetic location: 12p13.31.
Variant type: single nucleotide variant.
Coding change: c.2608A>G on transcript NM_144670.6 (MANE Select); coding-DNA position 2608, A replaced by G.
Protein change: p.Ile870Val; replaces isoleucine 870 with valine.
Molecular consequence: missense variant.
Genome position (GRCh38, 1-based): chr12:8,854,145, A>G. VCF-style: chr12-8854145-A-G. GRCh37 (hg19) VCF-style: chr12-9006741-A-G.
Other names: c.1135A>G, p.Ile379Val (NM_001282424.3); short protein forms I379V, I870V.
Identifiers: ClinVar variation 954855 (VCV000954855.9), dbSNP rs1943981721, ClinGen allele CA383834568.

ClinVar aggregate classification (germline): Uncertain significance (1 of 4 stars; one submission).

Allele frequency attached by ClinVar (database versions not stated): gnomAD exomes below 0.00001.
gnomAD v4.1: 4 of 1,599,438 alleles (0.00025%); highest among the groups gnomAD compares: African/African-American, 0.0013%; no homozygotes.

Submission:

Labcorp Genetics (formerly Invitae), Labcorp
Classification: Uncertain significance. Last evaluated: 2021-07-29. Review status: criteria provided, single submitter. Criteria: Invitae Variant Classification Sherloc (09022015). Collection method: clinical testing. Allele origin: germline.
Comment: This sequence change replaces isoleucine with valine at codon 870 of the A2ML1 protein (p.Ile870Val). The isoleucine residue is moderately conserved and there is a small physicochemical difference between isoleucine and valine. This variant is not present in population databases (ExAC no frequency). This variant has not been reported in the literature in individuals with A2ML1-related conditions. Algorithms developed to predict the effect of missense changes on protein structure and function output the following: SIFT: "Tolerated"; PolyPhen-2: "Benign"; Align-GVGD: "Class C0". The valine amino acid residue is found in multiple mammalian species, suggesting that this missense change does not adversely affect protein function. These predictions have not been confirmed by published functional studies and their clinical significance is uncertain. In summary, the available evidence is currently insufficient to determine the role of this variant in disease. Therefore, it has been classified as a Variant of Uncertain Significance.